The following is an entry in ClinVar:

NM_000283.4(PDE6B):c.1860del (p.His620fs)

Gene: PDE6B (phosphodiesterase 6B; plus strand). Cytogenetic location: 4p16.3.
Variant type: Deletion.
Coding change: c.1860del on transcript NM_000283.4 (MANE Select); coding-DNA position 1860, one base deleted (C; older notation c.1860delC).
Protein change: p.His620fs; shifts the reading frame from histidine 620.
Molecular consequence: frameshift variant.
Genome position (GRCh38, 1-based): chr4:663,127, C deleted. VCF-style (leftmost placement, unchanged base first): chr4-663126-AC-A. GRCh37 (hg19) VCF-style: chr4-656915-AC-A.
Other names: c.1860del, p.His620fs (NM_001145291.2); c.1023del, p.His341fs (NM_001145292.2, NM_001350154.3, NM_001379246.1 and 1 more transcripts); c.705del, p.His235fs (NM_001350155.3); c.1860delC (NM_000283.3); short protein forms H620fs, H235fs, H341fs.
Identifiers: ClinVar variation 419959 (VCV000419959.20), dbSNP rs769671323, ClinGen allele CA2794733.

ClinVar aggregate classification (germline): Pathogenic. Review status: criteria provided, multiple submitters, no conflicts (2 of 4 stars). 7 submissions from 7 submitters: Pathogenic (7). Last evaluated 2026-02-16.

Conditions:
PDE6B-related disorder. Also called: PDE6B-related disease; PDE6B-related condition; PDE6B-related disorders.
Retinitis pigmentosa 40 (RP40). Identifiers: Orphanet 791, MedGen C3151107, MONDO:0013429, OMIM 613801.

Allele frequency attached by ClinVar (database versions not stated): gnomAD 0.00019 and 0.00021; TOPMed 0.00027; gnomAD exomes 0.00002 and 0.00005; ExAC 0.00006; ESP Exome Variant Server 0.00008.

Submissions (7):

PreventionGenetics, part of Exact Sciences
Classification: Pathogenic for PDE6B-related condition. Last evaluated: 2026-02-16. Review status: criteria provided, single submitter. Criteria: ACMG Guidelines, 2015. Collection method: clinical testing. Allele origin: germline.
Comment: The PDE6B c.1860delC variant is predicted to result in a frameshift and premature protein termination (p.His620Glnfs*23). This variant has been reported along with a second PDE6B variant in individuals with retinal disease (see for examples: Table S2, Zampaglione et al. 2020. PubMed ID: 32037395; Table S1, Schlottmann et al. 2023. PubMed ID: 37217489; Table S1, Lin et al. 2024. PubMed ID: 38219857). This variant is present in 0.060% of alleles in individuals of African descent in gnomAD. Frameshift variants in PDE6B are an established mechanism of disease. This variant is interpreted as pathogenic.

Dasa
Classification: Pathogenic for Retinitis pigmentosa 40. Last evaluated: 2025-11-25. Review status: criteria provided, single submitter. Criteria: DASA Assertion Criteria. Collection method: clinical testing. Allele origin: germline.
Comment: NM_000283.4(PDE6B):c.1860del (p.His620Glnfs*23) introduces a premature termination codon predicted to result in loss of normal protein function. Loss-of-function is an established mechanism of disease for this gene. This variant has been recurrently observed in individuals with Retinitis pigmentosa 40 (PMID: 8595886; PMID: 27898983). Segregation evidence has been reported in affected families. The variant is present at low frequency in population datasets. Based on the available data, this variant is classified as pathogenic.

Labcorp Genetics (formerly Invitae), Labcorp
Classification: Pathogenic. Last evaluated: 2025-07-27. Review status: criteria provided, single submitter. Criteria: Invitae Variant Classification Sherloc (09022015). Collection method: clinical testing. Allele origin: germline.
Comment: This sequence change creates a premature translational stop signal (p.His620Glnfs*23) in the PDE6B gene. It is expected to result in an absent or disrupted protein product. Loss-of-function variants in PDE6B are known to be pathogenic (PMID: 8394174, 8595886, 22334370). This variant is present in population databases (rs769671323, gnomAD 0.06%). This premature translational stop signal has been observed in individuals with autosomal recessive retinitis pigmentosa (arRP) (PMID: 8595886, 27898983). It has also been observed to segregate with disease in related individuals. This variant is also known as "His620, 1-bp del". ClinVar contains an entry for this variant (Variation ID: 419959). Algorithms developed to predict the effect of sequence changes on RNA splicing suggest that this variant may disrupt the consensus splice site. For these reasons, this variant has been classified as Pathogenic.

GeneDx
Classification: Pathogenic. Last evaluated: 2025-04-17. Review status: criteria provided, single submitter. Criteria: GeneDx Variant Classification Process June 2021. Collection method: clinical testing. Allele origin: germline. Affected: yes.
Comment: Frameshift variant predicted to result in protein truncation or nonsense mediated decay in a gene for which loss of function is a known mechanism of disease; This variant is associated with the following publications: (PMID: 27898983, 32037395, 8595886, 33749171, 38364953, 31964843, 37217489, 38219857)

3billion
Classification: Pathogenic for Retinitis pigmentosa 40. Last evaluated: 2025-03-05. Review status: criteria provided, single submitter. Criteria: ACMG Guidelines, 2015. Collection method: clinical testing. Allele origin: germline. Affected: yes.
Comment: The variant is observed at an extremely low frequency in the gnomAD v4.1.0 dataset (total allele frequency: 0.004%). Predicted Consequence/Location: Frameshift: predicted to result in a loss or disruption of normal protein function through nonsense-mediated decay (NMD) or protein truncation. Multiple pathogenic variants are reported downstream of the variant. The variant has been reported at least twice as pathogenic with clinical assertions and evidence for the classification (ClinVar ID: VCV000419959 /PMID: 8595886 /3billion dataset). Therefore, this variant is classified as Pathogenic according to the recommendation of ACMG/AMP guideline.

Blueprint Genetics
Classification: Pathogenic for PDE6B-related disorders. Last evaluated: 2023-09-19. Review status: criteria provided, single submitter. Criteria: ACMG Guidelines, 2015. Collection method: clinical testing. Allele origin: germline. Affected: yes. Observed: 5 variant alleles.

Eurofins Ntd Llc (ga)
Classification: Pathogenic. Last evaluated: 2018-01-02. Review status: criteria provided, single submitter. Criteria: EGL Classification Definitions 2015. Collection method: clinical testing. Allele origin: germline. Observed: 1 variant allele, 1 heterozygote.

Literature cited by the submitters: PubMed 8595886 (cited by 3 submitters); PubMed 27898983 (cited by Dasa and Labcorp Genetics (formerly Invitae), Labcorp); PubMed 8394174 (cited by Labcorp Genetics (formerly Invitae), Labcorp); PubMed 22334370 (cited by Labcorp Genetics (formerly Invitae), Labcorp).